The following is an entry in ClinVar:

NC_000015.9:g.(?_62212246)_(62352573_?)dup

Gene: VPS13C (vacuolar protein sorting 13 homolog C; minus strand). Cytogenetic location: 15q22.2.
Variant type: Duplication.
Identifiers: ClinVar variation 3243894 (VCV003243894.1).

ClinVar aggregate classification (germline): Uncertain significance (1 of 4 stars; one submission).

Submission:

Labcorp Genetics (formerly Invitae), Labcorp
Classification: Uncertain significance. Last evaluated: 2023-12-11. Review status: criteria provided, single submitter. Criteria: Invitae Variant Classification Sherloc (09022015). Collection method: clinical testing. Allele origin: unknown.
Comment: This variant results in a copy number gain of the genomic region encompassing exon(s) 1-57 of the VPS13C gene. This region includes the initiator codon of the gene. This copy number gain extends beyond the assayed region for this gene and therefore may encompass additional genes. As the precise location of this event is unknown, it may be in tandem or it may be located elsewhere in the genome. This variant has not been reported in the literature in individuals affected with VPS13C-related conditions. In summary, the available evidence is currently insufficient to determine the role of this variant in disease. Therefore, it has been classified as a Variant of Uncertain Significance.